The following is an entry in ClinVar:

NM_053013.4(ENO3):c.240+8G>A

Gene: ENO3 (enolase 3; plus strand). Cytogenetic location: 17p13.2.
Variant type: single nucleotide variant.
Coding change: c.240+8G>A on transcript NM_053013.4 (MANE Select); 8 bases into the intron after coding-DNA position 240, G replaced by A.
Molecular consequence: intron variant.
Genome position (GRCh38, 1-based): chr17:4,953,117, G>A. VCF-style: chr17-4953117-G-A. GRCh37 (hg19) VCF-style: chr17-4856412-G-A.
Other names: c.267+8G>A (NM_001374524.1); c.240+8G>A (NM_001976.5, NM_001374523.1); c.181+227G>A (NM_001193503.2).
Identifiers: ClinVar variation 1443690 (VCV001443690.8), dbSNP rs768540512, ClinGen allele CA8316206.

ClinVar aggregate classification (germline): Uncertain significance (1 of 4 stars; one submission).

Conditions:
Glycogen storage disease due to muscle beta-enolase deficiency (GSD13). Also called: ENOLASE 3 DEFICIENCY; ENOLASE-BETA DEFICIENCY; GSD XIII; Glycogen Storage Disease Type XIII. Identifiers: Orphanet 99849, MedGen C2752027, MONDO:0013046, OMIM 612932.

Allele frequency attached by ClinVar (database versions not stated): TOPMed below 0.00001; gnomAD exomes 0.00001 and 0.00002; ExAC 0.00002; gnomAD 0.00007 and 0.00009.
gnomAD v4.1: 19 of 1,613,964 alleles (0.0012%); highest among the groups gnomAD compares: Non-Finnish European, 0.0016%; no homozygotes.

Submission:

Labcorp Genetics (formerly Invitae), Labcorp
Classification: Uncertain significance for Glycogen storage disease due to muscle beta-enolase deficiency. Last evaluated: 2021-05-18. Review status: criteria provided, single submitter. Criteria: Invitae Variant Classification Sherloc (09022015). Collection method: clinical testing. Allele origin: germline.
Comment: This variant has not been reported in the literature in individuals with ENO3-related conditions. This variant is present in population databases (rs768540512, ExAC 0.004%). This sequence change falls in intron 4 of the ENO3 gene. It does not directly change the encoded amino acid sequence of the ENO3 protein. Algorithms developed to predict the effect of sequence changes on RNA splicing suggest that this variant may create or strengthen a splice site, but this prediction has not been confirmed by published transcriptional studies. In summary, the available evidence is currently insufficient to determine the role of this variant in disease. Therefore, it has been classified as a Variant of Uncertain Significance.